The following is an entry in ClinVar:

ClinVar aggregate classification (germline): Uncertain significance. Review status: criteria provided, multiple submitters, no conflicts (2 of 4 stars). 2 submissions from 2 submitters: Uncertain significance (2). Last evaluated 2020-12-09.

Conditions:
X-linked intellectual disability, van Esch type. Also called: Van Esch-O'Driscoll syndrome; MENTAL RETARDATION, X-LINKED, SYNDROMIC, VAN ESCH-O''DRISCOLL TYPE. Identifiers: Orphanet 163976, MedGen C4305072, MONDO:0015601, OMIM 301030.

Allele frequency attached by ClinVar (database versions not stated): gnomAD exomes below 0.00001.
gnomAD v4.1: 2 of 1,113,785 alleles (0.00018%); highest among the groups gnomAD compares: South Asian, 0.0038%; no homozygotes.

Submissions (2):

GeneDx
Classification: Uncertain significance. Last evaluated: 2020-12-09. Review status: criteria provided, single submitter. Criteria: GeneDx Variant Classification Process June 2021. Collection method: clinical testing. Allele origin: germline. Affected: yes.
Comment: In silico analysis, which includes protein predictors and evolutionary conservation, supports a deleterious effect; Has not been previously published as pathogenic or benign to our knowledge; Variants in candidate genes are classified as variants of uncertain significance in accordance with ACMG guidelines (Richards et al., 2015)

Baylor Genetics
Classification: Uncertain significance for X-linked intellectual disability, van Esch type. Last evaluated: 2019-12-06. Review status: criteria provided, single submitter. Criteria: ACMG Guidelines, 2015. Collection method: clinical testing. Allele origin: unknown. Affected: yes.
Comment: This variant was determined to be of uncertain significance according to ACMG Guidelines, 2015 [PMID:25741868].

NM_001330360.2(POLA1):c.3050A>G (p.Asn1017Ser)

Gene: POLA1 (DNA polymerase alpha 1, catalytic subunit; plus strand). Cytogenetic location: Xp22.11.
Variant type: single nucleotide variant.
Coding change: c.3050A>G on transcript NM_001330360.2 (MANE Select); coding-DNA position 3050, A replaced by G.
Protein change: p.Asn1017Ser; replaces asparagine 1017 with serine.
Molecular consequence: missense variant. On other transcripts: non-coding transcript variant (2).
Genome position (GRCh38, 1-based): chrX:24,810,760, A>G. VCF-style: chrX-24810760-A-G. GRCh37 (hg19) VCF-style: chrX-24828877-A-G.
Other names: c.2975A>G, p.Asn992Ser (NM_001378303.1); c.3032A>G, p.Asn1011Ser (NM_016937.4); short protein forms N1011S, N1017S, N992S.
Identifiers: ClinVar variation 1028032 (VCV001028032.3), dbSNP rs2045884809, ClinGen allele CA412524652.
Genomic context (GRCh38, chrX:24,810,760, plus strand): 5'-TTCATCAGATGAATCTTGAAGTTATTTATGGAGATACAGATTCAATTATGATAAACACCA[A>G]TAGCACCAATCTGGAAGAAGTATTTAAGTTGGGAAACAAGGTGAGATAATTTTATGAAAT-3'
Protein context (NP_001317289.1, residues 1007-1027): GDTDSIMINT[Asn1017Ser]STNLEEVFKL